The following is an entry in ClinVar:

NM_001136234.3(SUPT20HL1):c.1599T>C (p.Ala533=)

Gene: SUPT20HL1 (SUPT20H like 1; plus strand). Cytogenetic location: Xp22.11.
Variant type: single nucleotide variant.
Coding change: c.1599T>C on transcript NM_001136234.3 (MANE Select); coding-DNA position 1599, T replaced by C.
Protein change: p.Ala533=; no amino-acid change (alanine 533 retained).
Molecular consequence: synonymous variant.
Genome position (GRCh38, 1-based): chrX:24,364,359, T>C. VCF-style: chrX-24364359-T-C. GRCh37 (hg19) VCF-style: chrX-24382476-T-C.
Identifiers: ClinVar variation 3905505 (VCV003905505.10).
Genomic context (GRCh38, chrX:24,364,359, plus strand): 5'-TGCTGCTGCTGCTCCTGCTCCTGCTCTAGCTGCTGCTGCTGCTCCTGCTCTAGCTGCTGC[T>C]GCTGCTCCTGCTCTAGCTGCTGCTGCTGCTCCTGCTCCTGCTCCTGCCGCTGCTCCTGCT-3'
Protein context (NP_001129706.3, residues 523-543): AAAAAPALAA[Ala533=]AAPALAAAAA

ClinVar aggregate classification (germline): Likely benign (1 of 4 stars; one submission).

Submission:

CeGaT Center for Human Genetics Tuebingen
Classification: Likely benign. Last evaluated: 2025-05-01. Review status: criteria provided, single submitter. Criteria: CeGaT Center For Human Genetics Tuebingen Variant Classification Criteria Version 2. Collection method: clinical testing. Allele origin: germline. Affected: yes. Observed: 1 variant allele.
Comment: SUPT20HL1: PM2:Supporting, BP4, BP7